The following is an entry in ClinVar:

ClinVar aggregate classification (germline): Uncertain significance (1 of 4 stars; one submission).

Conditions:
Cardiovascular phenotype. Identifiers: MedGen CN230736.

Submission:

Ambry Genetics
Classification: Uncertain significance for Cardiovascular phenotype. Last evaluated: 2021-11-02. Review status: criteria provided, single submitter. Criteria: Ambry Variant Classification Scheme 2023. Collection method: clinical testing. Allele origin: germline.
Comment: The p.P239S variant (also known as c.715C>T), located in coding exon 7 of the LDLRAP1 gene, results from a C to T substitution at nucleotide position 715. The proline at codon 239 is replaced by serine, an amino acid with similar properties. This amino acid position is conserved. In addition, this alteration is predicted to be tolerated by in silico analysis. Since supporting evidence is limited at this time, the clinical significance of this alteration remains unclear.

NM_015627.3(LDLRAP1):c.715C>T (p.Pro239Ser)

Gene: LDLRAP1 (low density lipoprotein receptor adaptor protein 1; plus strand). Cytogenetic location: 1p36.11.
Variant type: single nucleotide variant.
Coding change: c.715C>T on transcript NM_015627.3 (MANE Select); coding-DNA position 715, C replaced by T.
Protein change: p.Pro239Ser; replaces proline 239 with serine.
Molecular consequence: missense variant.
Genome position (GRCh38, 1-based): chr1:25,563,759, C>T. VCF-style: chr1-25563759-C-T. GRCh37 (hg19) VCF-style: chr1-25890250-C-T.
Other names: short protein forms P239S.
Identifiers: ClinVar variation 1757426 (VCV001757426.2), dbSNP rs2524123926, ClinGen allele CA339074644.